The following is an entry in ClinVar:

NM_000051.4(ATM):c.8173G>T (p.Asp2725Tyr)

Genes: ATM (ATM serine/threonine kinase; plus strand), C11orf65 (chromosome 11 open reading frame 65; minus strand). Cytogenetic location: 11q22.3.
Variant type: single nucleotide variant.
Coding change: c.8173G>T on transcript NM_000051.4 (MANE Select); coding-DNA position 8173, G replaced by T.
Protein change: p.Asp2725Tyr; replaces aspartic acid 2725 with tyrosine.
Molecular consequence: missense variant. On other transcripts: intron variant (2).
Genome position (GRCh38, 1-based): chr11:108,335,866, G>T. VCF-style: chr11-108335866-G-T. GRCh37 (hg19) VCF-style: chr11-108206593-G-T.
Other names: c.8173G>T, p.Asp2725Tyr (NM_001351834.2); c.641-26795C>A (NM_001330368.2); c.695-574C>A (NM_001351110.2); short protein forms D2725Y.
Identifiers: ClinVar variation 1509331 (VCV001509331.8), dbSNP rs587782049, ClinGen allele CA382562500.
Genomic context (GRCh38, chr11:108,335,866, plus strand): 5'-TAAACTGTACTTGTTTATTCATGCTTAATTATTCTGAAGGGCCGTGATGACCTGAGACAA[G>T]ATGCTGTCATGCAACAGGTCTTCCAGATGTGTAATACATTACTGCAGAGAAACACGGAAA-3'
Protein context (NP_000042.3, residues 2715-2735): LVKGRDDLRQ[Asp2725Tyr]AVMQQVFQMC

ClinVar aggregate classification (germline): Uncertain significance (1 of 4 stars; one submission).

Conditions:
Ataxia-telangiectasia syndrome (AT). Also called: LOUIS-BAR SYNDROME; Cerebello-oculocutaneous telangiectasia; Immunodeficiency with ataxia telangiectasia; Ataxia telangiectasia (A-T); Ataxia-telangiectasia, complementation group D; AT, COMPLEMENTATION GROUP C. Identifiers: Orphanet 100, MedGen C0004135, MONDO:0008840, OMIM 208900.

Submission:

Labcorp Genetics (formerly Invitae), Labcorp
Classification: Uncertain significance for Ataxia-telangiectasia syndrome. Last evaluated: 2025-12-15. Review status: criteria provided, single submitter. Criteria: Invitae Variant Classification Sherloc (09022015). Collection method: clinical testing. Allele origin: germline.
Comment: This sequence change replaces aspartic acid, which is acidic and polar, with tyrosine, which is neutral and polar, at codon 2725 of the ATM protein (p.Asp2725Tyr). This variant is not present in population databases (gnomAD no frequency). This variant has not been reported in the literature in individuals affected with ATM-related conditions. ClinVar contains an entry for this variant (Variation ID: 1509331). Invitae Evidence Modeling of protein sequence and biophysical properties (such as structural, functional, and spatial information, amino acid conservation, physicochemical variation, residue mobility, and thermodynamic stability) indicates that this missense variant is expected to disrupt ATM protein function with a positive predictive value of 95%. Algorithms developed to predict the effect of sequence changes on RNA splicing suggest that this variant may create or strengthen a splice site. In summary, the available evidence is currently insufficient to determine the role of this variant in disease. Therefore, it has been classified as a Variant of Uncertain Significance.